The following is an entry in ClinVar:

ClinVar aggregate classification (germline): Uncertain significance (1 of 4 stars; one submission).

Allele frequency attached by ClinVar (database versions not stated): ESP Exome Variant Server 0.00008; gnomAD 0.00016 and 0.00017; TOPMed 0.00016; ExAC 0.00018; 1000 Genomes Project 0.00020; gnomAD exomes 0.00021 and 0.00024; 1000 Genomes Project 30x 0.00031.

Submission:

Laboratory for Molecular Medicine, Mass General Brigham Personalized Medicine
Classification: Uncertain significance. Last evaluated: 2015-04-15. Review status: criteria provided, single submitter. Criteria: LMM Criteria. Collection method: clinical testing. Allele origin: germline. Observed: 1 variant allele.
Comment: Variant classified as Uncertain Significance - Favor Benign. The p.Thr5481Met va riant in MUC5B has not been previously reported in individuals with pulmonary di sease, but has been identified in 5/14014 of European chromosomes by the Exome A ggregation Consortium (ExAC; dbSNP rs369142865). Threonine (Thr) at position 5481 is not conserved in mammals or evolutionarily distant species and 3 species (guinea pig, pacific walrus, and painted turtle) c arry a methionine (Met) at this position, supporting that this change may be tol erated. Additional computational prediction tools suggest that the p.Thr5481Met variant may not impact the protein, though this information is not predictive en ough to rule out pathogenicity. In summary, while the clinical significance of t he p.Thr5481Met variant is uncertain, the presence of the variant amino acid in other mammals suggests that it is more likely to be benign.

NM_002458.3(MUC5B):c.16442C>T (p.Thr5481Met)

Gene: MUC5B (mucin 5B, oligomeric mucus/gel-forming; plus strand). Cytogenetic location: 11p15.5.
Variant type: single nucleotide variant.
Coding change: c.16442C>T on transcript NM_002458.3 (MANE Select); coding-DNA position 16442, C replaced by T.
Protein change: p.Thr5481Met; replaces threonine 5481 with methionine.
Molecular consequence: missense variant.
Genome position (GRCh38, 1-based): chr11:1,257,702, C>T. VCF-style: chr11-1257702-C-T. GRCh37 (hg19) VCF-style: chr11-1278932-C-T.
Other names: short protein forms T5481M.
Identifiers: ClinVar variation 228860 (VCV000228860.4), dbSNP rs369142865, ClinGen allele CA5809396.